The following is an entry in ClinVar:

ClinVar aggregate classification (germline): Uncertain significance (1 of 4 stars; one submission).

Conditions:
LAMA2-related muscular dystrophy (LAMA2-RD). Also called: Laminin alpha 2-related dystrophy. Identifiers: MedGen C5679788, MONDO:0100228.

gnomAD v4.1: 1 of 1,613,640 alleles (0.000062%); highest among the groups gnomAD compares: African/African-American, 0.0013%; no homozygotes.

Submission:

Labcorp Genetics (formerly Invitae), Labcorp
Classification: Uncertain significance for LAMA2-related muscular dystrophy. Last evaluated: 2021-08-16. Review status: criteria provided, single submitter. Criteria: Invitae Variant Classification Sherloc (09022015). Collection method: clinical testing. Allele origin: germline.
Comment: This sequence change replaces lysine with asparagine at codon 2851 of the LAMA2 protein (p.Lys2851Asn). The lysine residue is moderately conserved and there is a moderate physicochemical difference between lysine and asparagine. This variant is not present in population databases (ExAC no frequency). This variant has not been reported in the literature in individuals affected with LAMA2-related conditions. Advanced modeling of protein sequence and biophysical properties (such as structural, functional, and spatial information, amino acid conservation, physicochemical variation, residue mobility, and thermodynamic stability) performed at Invitae indicates that this missense variant is not expected to disrupt LAMA2 protein function. In summary, the available evidence is currently insufficient to determine the role of this variant in disease. Therefore, it has been classified as a Variant of Uncertain Significance.

NM_000426.4(LAMA2):c.8553G>C (p.Lys2851Asn)

Gene: LAMA2 (laminin subunit alpha 2; plus strand). Cytogenetic location: 6q22.33.
Variant type: single nucleotide variant.
Coding change: c.8553G>C on transcript NM_000426.4 (MANE Select); coding-DNA position 8553, G replaced by C.
Protein change: p.Lys2851Asn; replaces lysine 2851 with asparagine.
Molecular consequence: missense variant.
Genome position (GRCh38, 1-based): chr6:129,505,205, G>C. VCF-style: chr6-129505205-G-C. GRCh37 (hg19) VCF-style: chr6-129826350-G-C.
Other names: c.8541G>C, p.Lys2847Asn (NM_001079823.2); short protein forms K2847N, K2851N.
Identifiers: ClinVar variation 1509454 (VCV001509454.3), dbSNP rs763572005, ClinGen allele CA365634719.